The following is an entry in ClinVar:

ClinVar aggregate classification (germline): Uncertain significance (1 of 4 stars; one submission).

Allele frequency attached by ClinVar (database versions not stated): gnomAD 0.00001; TOPMed 0.00001.
gnomAD v4.1: 3 of 1,613,810 alleles (0.00019%); highest among the groups gnomAD compares: Admixed American, 0.0017%; no homozygotes.

Submission:

GeneDx
Classification: Uncertain significance. Last evaluated: 2022-04-01. Review status: criteria provided, single submitter. Criteria: GeneDx Variant Classification Process June 2021. Collection method: clinical testing. Allele origin: germline. Affected: yes.
Comment: Not observed at significant frequency in large population cohorts (gnomAD); In silico analysis, which includes splice predictors and evolutionary conservation, suggests this variant may impact gene splicing. In the absence of RNA/functional studies, the actual effect of this sequence change is unknown.; Has not been previously published as pathogenic or benign to our knowledge

NM_001242896.3(DEPDC5):c.3888G>A (p.Val1296=)

Gene: DEPDC5 (DEP domain containing 5, GATOR1 subcomplex subunit; plus strand). Cytogenetic location: 22q12.3.
Variant type: single nucleotide variant.
Coding change: c.3888G>A on transcript NM_001242896.3 (MANE Select); coding-DNA position 3888, G replaced by A.
Protein change: p.Val1296=; no amino-acid change (valine 1296 retained).
Molecular consequence: synonymous variant. On other transcripts: non-coding transcript variant (5).
Genome position (GRCh38, 1-based): chr22:31,879,607, G>A. VCF-style: chr22-31879607-G-A. GRCh37 (hg19) VCF-style: chr22-32275593-G-A.
Other names: c.3861G>A, p.Val1287= (NM_001136029.4); c.3588G>A, p.Val1196= (NM_001242897.2); c.3822G>A, p.Val1274= (NM_001363852.2, NM_001364320.2); c.3654G>A, p.Val1218= (NM_001363854.2, NM_001364319.2); c.3888G>A, p.Val1296= (NM_001364318.2); c.3804G>A, p.Val1268= (NM_001369901.1, NM_001369902.1); c.3795G>A, p.Val1265= (NM_001369903.1, NM_014662.6).
Identifiers: ClinVar variation 1707744 (VCV001707744.2), dbSNP rs1338796439, ClinGen allele CA514268808.